The following is an entry in ClinVar:

ClinVar aggregate classification (germline): Uncertain significance (1 of 4 stars; one submission).

Submission:

Labcorp Genetics (formerly Invitae), Labcorp
Classification: Uncertain significance. Last evaluated: 2025-09-08. Review status: criteria provided, single submitter. Criteria: Invitae Variant Classification Sherloc (09022015). Collection method: clinical testing. Allele origin: germline.
Comment: This variant, c.5862_5864del, results in the deletion of 1 amino acid(s) of the TECTA protein (p.Thr1955del), but otherwise preserves the integrity of the reading frame. This variant is not present in population databases (gnomAD no frequency). This variant has not been reported in the literature in individuals affected with TECTA-related conditions. Experimental studies and prediction algorithms are not available or were not evaluated, and the functional significance of this variant is currently unknown. In summary, the available evidence is currently insufficient to determine the role of this variant in disease. Therefore, it has been classified as a Variant of Uncertain Significance.

NM_005422.4(TECTA):c.5859GAC[1] (p.Thr1955del)

Genes: TBCEL-TECTA (TBCEL-TECTA readthrough; plus strand), TECTA (tectorin alpha; plus strand). Cytogenetic location: 11q23.3.
Variant type: Microsatellite.
Coding change: c.5859GAC[1] on transcript NM_005422.4 (MANE Select); one copy of the 3-base unit GAC starting at c.5859; the reference has two copies in a row; one copy, 3 bases deleted.
Protein change: p.Thr1955del; deletes threonine 1955.
Genome position (GRCh38, 1-based): chr11:121,168,788-121,168,790, GAC deleted; deleting any 3 consecutive bases within chr11:121,168,785-121,168,790 gives the same sequence; the position shown is the placement nearest the transcript's 3' end. VCF-style (leftmost placement, unchanged base first): chr11-121168784-TGAC-T. GRCh37 (hg19) VCF-style: chr11-121039493-TGAC-T.
Other names: c.6801GAC[1], p.Thr2269del (NM_001378761.1); short protein forms T2269del, T1955del.
Identifiers: ClinVar variation 3727179 (VCV003727179.2).
Genomic context (GRCh38, chr11:121,168,784, plus strand): 5'-AGATGGCTCTCTACAAAAACGCCTCCTACAAACATCCTTACCGCCAGGGTGAAGTAGTGT[TGAC>T]GACTCGAGATGTGCTGTATGTAGGGGTTTTTGTGGTTGGAGCTGACGCCACACATTTAAT-3'